The following is an entry in ClinVar:

ClinVar aggregate classification (germline): Pathogenic/Likely pathogenic. Review status: criteria provided, multiple submitters, no conflicts (2 of 4 stars). 6 submissions from 6 submitters: Pathogenic (5); Likely pathogenic (1). Last evaluated 2026-04-23.

Conditions:
Lynch syndrome. Identifiers: Orphanet 144, MedGen C4552100, MONDO:0005835. Disease mechanism: loss of function.
Hereditary nonpolyposis colorectal neoplasms. Identifiers: MedGen C0009405, MeSH D003123.
Hereditary cancer-predisposing syndrome. Also called: Neoplastic Syndromes, Hereditary; Tumor predisposition; Hereditary Cancer Syndrome; Hereditary neoplastic syndrome. Identifiers: Orphanet 140162, MedGen C0027672, MeSH D009386, MONDO:0015356.
Lynch syndrome 4 (LYNCH4). Also called: Colorectal cancer, hereditary nonpolyposis, type 4; Hereditary non-polyposis colorectal cancer, type 4. Identifiers: Orphanet 144, MedGen C1838333, MONDO:0013699, OMIM 614337. Disease mechanism: loss of function.

Submissions (6):

Ambry Genetics
Classification: Pathogenic for Hereditary cancer-predisposing syndrome. Last evaluated: 2026-04-23. Review status: criteria provided, single submitter. Criteria: Ambry Variant Classification Scheme 2023. Collection method: clinical testing. Allele origin: germline.
Comment: The c.1675G>T (p.G559*) alteration, located in exon 11 (coding exon 11) of the PMS2 gene, consists of a G to T substitution at nucleotide position 1675. This changes the amino acid from a glycine (G) to a stop codon at amino acid position 559. This variant is expected to result in loss of function by premature protein truncation or nonsense-mediated mRNA decay. This variant was not reported in population-based cohorts in the Genome Aggregation Database (gnomAD). Based on the available evidence, this alteration is classified as pathogenic.

All of Us Research Program, National Institutes of Health
Classification: Pathogenic for Lynch syndrome. Last evaluated: 2024-07-29. Review status: criteria provided, single submitter. Criteria: ACMG Guidelines, 2015. Collection method: clinical testing. Allele origin: germline. Inheritance: Autosomal dominant inheritance. Observed: 1 variant allele, 1 heterozygote.
Comment: This variant changes 1 nucleotide in exon 11 of the PMS2 gene, creating a premature translation stop signal. This variant is expected to result in an absent or non-functional protein product. To our knowledge, this variant has not been reported in individuals affected with PMS2-related disorders in the literature. This variant has not been identified in the general population by the Genome Aggregation Database (gnomAD). Loss of PMS2 function is a known mechanism of disease. Based on the available evidence, this variant is classified as Pathogenic.

This study involves interpretation of variants in research participants for the purpose of population health screening. Participant phenotype was not available at the time of variant classification. Additional details can be found in publication PMID: 35346344, PMCID: PMC8962531

Labcorp Genetics (formerly Invitae), Labcorp
Classification: Pathogenic for Hereditary nonpolyposis colorectal neoplasms. Last evaluated: 2024-06-24. Review status: criteria provided, single submitter. Criteria: Invitae Variant Classification Sherloc (09022015). Collection method: clinical testing. Allele origin: germline.
Comment: This sequence change creates a premature translational stop signal (p.Gly559*) in the PMS2 gene. It is expected to result in an absent or disrupted protein product. Loss-of-function variants in PMS2 are known to be pathogenic (PMID: 21376568, 24362816). This variant is not present in population databases (gnomAD no frequency). This variant has not been reported in the literature in individuals affected with PMS2-related conditions. ClinVar contains an entry for this variant (Variation ID: 1777782). For these reasons, this variant has been classified as Pathogenic.

Color Diagnostics, LLC DBA Color Health
Classification: Pathogenic for Hereditary cancer-predisposing syndrome. Last evaluated: 2024-05-14. Review status: criteria provided, single submitter. Criteria: ACMG Guidelines, 2015. Collection method: clinical testing. Allele origin: germline.
Comment: This variant changes 1 nucleotide in exon 11 of the PMS2 gene, creating a premature translation stop signal. This variant is expected to result in an absent or non-functional protein product. To our knowledge, this variant has not been reported in individuals affected with PMS2-related disorders in the literature. This variant has not been identified in the general population by the Genome Aggregation Database (gnomAD). Loss of PMS2 function is a known mechanism of disease. Based on the available evidence, this variant is classified as Pathogenic.

Myriad Genetics, Inc.
Classification: Pathogenic for Lynch syndrome 4. Last evaluated: 2023-09-20. Review status: criteria provided, single submitter. Criteria: Myriad Autosomal Dominant, Autosomal Recessive and X-Linked Classification Criteria (2023). Collection method: clinical testing. Allele origin: unknown.
Comment: This variant is considered pathogenic. This variant creates a termination codon and is predicted to result in premature protein truncation.

Baylor Genetics
Classification: Likely pathogenic for Lynch syndrome 4. Last evaluated: 2023-05-18. Review status: criteria provided, single submitter. Criteria: ACMG Guidelines, 2015. Collection method: clinical testing. Allele origin: unknown.

Literature cited by the submitters: PubMed 21376568 (cited by Labcorp Genetics (formerly Invitae), Labcorp); PubMed 24362816 (cited by Labcorp Genetics (formerly Invitae), Labcorp).

NM_000535.7(PMS2):c.1675G>T (p.Gly559Ter)

Gene: PMS2 (PMS1 homolog 2, mismatch repair system component; minus strand). Cytogenetic location: 7p22.1.
Variant type: single nucleotide variant.
Coding change: c.1675G>T on transcript NM_000535.7 (MANE Select); coding-DNA position 1675, G replaced by T.
Protein change: p.Gly559Ter; replaces glycine 559 with a stop codon.
Molecular consequence: nonsense. On other transcripts: non-coding transcript variant (1).
Genome position (GRCh38, 1-based): chr7:5,987,090, C>A on the plus strand (G>T on the coding strand, the complement: PMS2 is on the minus strand). VCF-style: chr7-5987090-C-A. GRCh37 (hg19) VCF-style: chr7-6026721-C-A.
Other names: c.1270G>T, p.Gly424Ter (NM_001018040.1, NM_001322003.2, NM_001322004.2 and 17 more transcripts); c.1519G>T, p.Gly507Ter (NM_001322006.2, NM_001406870.1); c.1357G>T, p.Gly453Ter (NM_001322007.2, NM_001322008.2, NM_001406876.1 and 2 more transcripts); c.1114G>T, p.Gly372Ter (NM_001322010.2, NM_001406906.1, NM_001406907.1); c.742G>T, p.Gly248Ter (NM_001322011.2, NM_001322012.2); c.1507G>T, p.Gly503Ter (NM_001406874.1); c.1366G>T, p.Gly456Ter (NM_001406875.1, NM_001406877.1, NM_001406878.1 and 5 more transcripts); c.1210G>T, p.Gly404Ter (NM_001406900.1); and 12 more; short protein forms G248*, G302*, G401*, G437*, G447*, G523*, G368*, G372*.
Identifiers: ClinVar variation 1777782 (VCV001777782.9), dbSNP rs751153838, ClinGen allele CA366741253.